The following is an entry in ClinVar:

NM_000465.4(BARD1):c.2202A>G (p.Thr734=)

Gene: BARD1 (BRCA1 associated RING domain 1; minus strand). Cytogenetic location: 2q35.
Variant type: single nucleotide variant.
Coding change: c.2202A>G on transcript NM_000465.4 (MANE Select); coding-DNA position 2202, A replaced by G.
Protein change: p.Thr734=; no amino-acid change (threonine 734 retained).
Molecular consequence: synonymous variant. On other transcripts: non-coding transcript variant (3).
Genome position (GRCh38, 1-based): chr2:214,728,808, T>C on the plus strand (A>G on the coding strand, the complement: BARD1 is on the minus strand). VCF-style: chr2-214728808-T-C. GRCh37 (hg19) VCF-style: chr2-215593532-T-C.
Other names: c.2145A>G, p.Thr715= (NM_001282543.2); c.849A>G, p.Thr283= (NM_001282545.2); c.792A>G, p.Thr264= (NM_001282548.2); c.663A>G, p.Thr221= (NM_001282549.2).
Identifiers: ClinVar variation 184266 (VCV000184266.21), dbSNP rs786201370, ClinGen allele CA333831.

ClinVar aggregate classification (germline): Benign/Likely benign. Review status: criteria provided, multiple submitters, no conflicts (2 of 4 stars). 7 submissions from 7 submitters: Benign (1); Likely benign (6). Last evaluated 2025-11-25.

Conditions:
Hereditary cancer-predisposing syndrome. Also called: Hereditary neoplastic syndrome; Neoplastic Syndromes, Hereditary; Tumor predisposition; Hereditary Cancer Syndrome. Identifiers: Orphanet 140162, MedGen C0027672, MeSH D009386, MONDO:0015356.
Familial cancer of breast. Also called: BREAST CANCER, FAMILIAL; Hereditary breast cancer; hereditary breast carcinoma. Identifiers: Orphanet 227535, MedGen C0346153, MONDO:0016419, OMIM 114480. Disease mechanism: loss of function.

Allele frequency attached by ClinVar (database versions not stated): gnomAD 0.00001; gnomAD exomes 0.00001 and 0.00002; TOPMed 0.00002.
gnomAD v4.1: 35 of 1,614,120 alleles (0.0022%); highest among the groups gnomAD compares: Non-Finnish European, 0.0029%; no homozygotes.

Submissions (7):

Labcorp Genetics (formerly Invitae), Labcorp
Classification: Likely benign for Familial cancer of breast. Last evaluated: 2025-11-25. Review status: criteria provided, single submitter. Criteria: Invitae Variant Classification Sherloc (09022015). Collection method: clinical testing. Allele origin: germline.

Myriad Genetics, Inc.
Classification: Benign for Familial cancer of breast. Last evaluated: 2024-07-30. Review status: criteria provided, single submitter. Criteria: Myriad Autosomal Dominant, Autosomal Recessive and X-Linked Classification Criteria (2023). Collection method: clinical testing. Allele origin: unknown.
Comment: This variant is considered benign. This variant is a silent/synonymous amino acid change and it is not expected to impact splicing.

Department of Pathology and Laboratory Medicine, Sinai Health System
Classification: Likely benign for Familial cancer of breast. Last evaluated: 2021-05-14. Review status: criteria provided, single submitter. Criteria: ACMG Guidelines, 2015. Collection method: clinical testing. Allele origin: germline. Affected: yes.

Sema4
Classification: Likely benign for Hereditary cancer-predisposing syndrome. Last evaluated: 2020-10-22. Review status: criteria provided, single submitter. Criteria: Sema4 Curation Guidelines. Collection method: curation. Allele origin: germline.

GeneDx
Classification: Likely benign. Last evaluated: 2019-03-26. Review status: criteria provided, single submitter. Criteria: GeneDx Variant Classification Process June 2021. Collection method: clinical testing. Allele origin: germline. Affected: yes.

Color Diagnostics, LLC DBA Color Health
Classification: Likely benign for Hereditary cancer-predisposing syndrome. Last evaluated: 2016-03-07. Review status: criteria provided, single submitter. Criteria: ACMG Guidelines, 2015. Collection method: clinical testing. Allele origin: germline.

Ambry Genetics
Classification: Likely benign for Hereditary cancer-predisposing syndrome. Last evaluated: 2014-10-17. Review status: criteria provided, single submitter. Criteria: Ambry Variant Classification Scheme 2023. Collection method: clinical testing. Allele origin: germline.